The following is an entry in ClinVar:

ClinVar aggregate classification (germline): Uncertain significance (1 of 4 stars; one submission).

gnomAD v4.1: 3 of 1,613,246 alleles (0.00019%); highest among the groups gnomAD compares: Admixed American, 0.005%; no homozygotes.

Submission:

Labcorp Genetics (formerly Invitae), Labcorp
Classification: Uncertain significance. Last evaluated: 2024-11-21. Review status: criteria provided, single submitter. Criteria: Invitae Variant Classification Sherloc (09022015). Collection method: clinical testing. Allele origin: germline.
Comment: This sequence change replaces lysine, which is basic and polar, with arginine, which is basic and polar, at codon 321 of the DSCAML1 protein (p.Lys321Arg). This variant is present in population databases (rs750858237, gnomAD 0.009%). This variant has not been reported in the literature in individuals affected with DSCAML1-related conditions. An algorithm developed to predict the effect of missense changes on protein structure and function (PolyPhen-2) suggests that this variant is likely to be disruptive. In summary, the available evidence is currently insufficient to determine the role of this variant in disease. Therefore, it has been classified as a Variant of Uncertain Significance.

NM_020693.4(DSCAML1):c.782A>G (p.Lys261Arg)

Gene: DSCAML1 (DS cell adhesion molecule like 1; minus strand). Cytogenetic location: 11q23.3.
Variant type: single nucleotide variant.
Coding change: c.782A>G on transcript NM_020693.4 (MANE Select); coding-DNA position 782, A replaced by G.
Protein change: p.Lys261Arg; replaces lysine 261 with arginine.
Molecular consequence: missense variant.
Genome position (GRCh38, 1-based): chr11:117,524,960, T>C on the plus strand (A>G on the coding strand, the complement: DSCAML1 is on the minus strand). VCF-style: chr11-117524960-T-C. GRCh37 (hg19) VCF-style: chr11-117395675-T-C.
Other names: c.782A>G, p.Lys261Arg (NM_001367904.1); c.374A>G, p.Lys125Arg (NM_001367905.1); short protein forms K125R, K261R.
Identifiers: ClinVar variation 3645259 (VCV003645259.2).